The following is an entry in ClinVar:

ClinVar aggregate classification (germline): Conflicting classifications of pathogenicity. Review status: criteria provided, conflicting classifications (1 of 4 stars). 2 submissions from 2 submitters: Uncertain significance (1); Likely benign (1). Last evaluated 2023-12-11.

Conditions:
Inborn genetic diseases. Identifiers: MedGen C0950123, MeSH D030342.

Allele frequency attached by ClinVar (database versions not stated): TOPMed 0.00014; ExAC 0.00015; gnomAD 0.00016; gnomAD exomes 0.00025; ESP Exome Variant Server 0.00031.
gnomAD v4.1: 394 of 1,613,976 alleles (0.024%); highest among the groups gnomAD compares: South Asian, 0.04%; no homozygotes.

Submissions (2):

Ambry Genetics
Classification: Likely benign for Inborn genetic diseases. Last evaluated: 2023-12-11. Review status: criteria provided, single submitter. Criteria: Ambry Variant Classification Scheme 2023. Collection method: clinical testing. Allele origin: germline.

CeGaT Center for Human Genetics Tuebingen
Classification: Uncertain significance. Last evaluated: 2023-03-01. Review status: criteria provided, single submitter. Criteria: CeGaT Center For Human Genetics Tuebingen Variant Classification Criteria Version 2. Collection method: clinical testing. Allele origin: germline. Affected: yes. Observed: 1 variant allele.
Comment: SOX5: PP2

NM_006940.6(SOX5):c.2092G>A (p.Val698Met)

Gene: SOX5 (SRY-box transcription factor 5; minus strand). Cytogenetic location: 12p12.1.
Variant type: single nucleotide variant.
Coding change: c.2092G>A on transcript NM_006940.6 (MANE Select); coding-DNA position 2092, G replaced by A.
Protein change: p.Val698Met; replaces valine 698 with methionine.
Molecular consequence: missense variant.
Genome position (GRCh38, 1-based): chr12:23,534,419, C>T on the plus strand (G>A on the coding strand, the complement: SOX5 is on the minus strand). VCF-style: chr12-23534419-C-T. GRCh37 (hg19) VCF-style: chr12-23687353-C-T.
Other names: c.1729G>A, p.Val577Met (NM_001261414.3); c.2062G>A, p.Val688Met (NM_001261415.3); c.1987G>A, p.Val663Met (NM_001330785.2); c.2053G>A, p.Val685Met (NM_152989.5); c.934G>A, p.Val312Met (NM_178010.4); c.2092G>A (NM_006940.4); short protein forms V312M, V577M, V663M, V685M, V688M, V698M.
Identifiers: ClinVar variation 2498547 (VCV002498547.29), dbSNP rs141628352, ClinGen allele CA6483914.